The following is an entry in ClinVar:

NM_020771.4(HACE1):c.1238C>T (p.Pro413Leu)

Gene: HACE1 (HECT domain and ankyrin repeat containing E3 ubiquitin protein ligase 1; minus strand). Cytogenetic location: 6q16.3.
Variant type: single nucleotide variant.
Coding change: c.1238C>T on transcript NM_020771.4 (MANE Select); coding-DNA position 1238, C replaced by T.
Protein change: p.Pro413Leu; replaces proline 413 with leucine.
Molecular consequence: missense variant. On other transcripts: non-coding transcript variant (7).
Genome position (GRCh38, 1-based): chr6:104,785,156, G>A on the plus strand (C>T on the coding strand, the complement: HACE1 is on the minus strand). VCF-style: chr6-104785156-G-A. GRCh37 (hg19) VCF-style: chr6-105233031-G-A.
Other names: c.1106C>T, p.Pro369Leu (NM_001321080.2); c.1136C>T, p.Pro379Leu (NM_001321083.2); c.734C>T, p.Pro245Leu (NM_001321084.2, NM_001350557.2, NM_001350558.2); c.1004C>T, p.Pro335Leu (NM_001350554.2); c.947C>T, p.Pro316Leu (NM_001350555.2); c.752C>T, p.Pro251Leu (NM_001350556.2); c.656C>T, p.Pro219Leu (NM_001350559.2); c.455C>T, p.Pro152Leu (NM_001350560.2); short protein forms P316L, P369L, P245L, P379L, P152L, P335L, P219L, P251L.
Identifiers: ClinVar variation 1402740 (VCV001402740.5), dbSNP rs1782214456, ClinGen allele CA365136453.
Genomic context (GRCh38, chr6:104,785,156, plus strand): 5'-CCTGCAAGAGCATCTGGTTTAGATTCCCTTGTGCCAGTGGACAGATTTTCATAGCTCCCA[G>A]GTCCTGGAGGTTCAAATGGAGGAATGGAAGCAGCATCTTGATCTTGGCCTTTTTGTTTCA-3'
Protein context (NP_065822.2, residues 403-423): ASIPPFEPPG[Pro413Leu]GSYENLSTGT

ClinVar aggregate classification (germline): Uncertain significance (1 of 4 stars; one submission).

Allele frequency attached by ClinVar (database versions not stated): gnomAD exomes below 0.00001.
gnomAD v4.1: 6 of 1,613,906 alleles (0.00037%); highest among the groups gnomAD compares: Non-Finnish European, 0.00051%; no homozygotes.

Submission:

Labcorp Genetics (formerly Invitae), Labcorp
Classification: Uncertain significance. Last evaluated: 2022-03-18. Review status: criteria provided, single submitter. Criteria: Invitae Variant Classification Sherloc (09022015). Collection method: clinical testing. Allele origin: germline.
Comment: This sequence change replaces proline, which is neutral and non-polar, with leucine, which is neutral and non-polar, at codon 413 of the HACE1 protein (p.Pro413Leu). This variant is not present in population databases (gnomAD no frequency). This variant has not been reported in the literature in individuals affected with HACE1-related conditions. Algorithms developed to predict the effect of missense changes on protein structure and function are either unavailable or do not agree on the potential impact of this missense change (SIFT: "Deleterious"; PolyPhen-2: "Benign"; Align-GVGD: "Class C0"). In summary, the available evidence is currently insufficient to determine the role of this variant in disease. Therefore, it has been classified as a Variant of Uncertain Significance.